The following is an entry in ClinVar:

ClinVar aggregate classification (germline): Uncertain significance. Review status: criteria provided, multiple submitters, no conflicts (2 of 4 stars). 3 submissions from 3 submitters: Uncertain significance (3). Last evaluated 2026-09-13.

Conditions:
Primary ciliary dyskinesia. Also called: Ciliary dyskinesia. Identifiers: Orphanet 244, MedGen C0008780, MONDO:0016575, HP:0012265.

Allele frequency attached by ClinVar (database versions not stated): TOPMed 0.00001; gnomAD exomes 0.00002.

Submissions (3):

Ambry Genetics
Classification: Uncertain significance for Primary ciliary dyskinesia. Last evaluated: 2026-09-13. Review status: criteria provided, single submitter. Criteria: Ambry Variant Classification Scheme 2023. Collection method: clinical testing. Allele origin: germline.
Comment: The p.R501C variant (also known as c.1501C>T), located in coding exon 13 of the CCDC114 gene, results from a C to T substitution at nucleotide position 1501. The arginine at codon 501 is replaced by cysteine, an amino acid with highly dissimilar properties. This amino acid position is conserved. In addition, this alteration is predicted to be tolerated by in silico analysis. Based on the available evidence, the clinical significance of this variant remains unclear.

Blueprint Genetics
Classification: Uncertain significance. Last evaluated: 2023-12-14. Review status: criteria provided, single submitter. Criteria: ACMG Guidelines, 2015. Collection method: clinical testing. Allele origin: germline.

Labcorp Genetics (formerly Invitae), Labcorp
Classification: Uncertain significance for Primary ciliary dyskinesia. Last evaluated: 2022-01-27. Review status: criteria provided, single submitter. Criteria: Invitae Variant Classification Sherloc (09022015). Collection method: clinical testing. Allele origin: germline.
Comment: This sequence change replaces arginine, which is basic and polar, with cysteine, which is neutral and slightly polar, at codon 501 of the CCDC114 protein (p.Arg501Cys). This variant is present in population databases (no rsID available, gnomAD 0.005%). This variant has not been reported in the literature in individuals affected with CCDC114-related conditions. Algorithms developed to predict the effect of missense changes on protein structure and function are either unavailable or do not agree on the potential impact of this missense change (SIFT: "Deleterious"; PolyPhen-2: "Possibly Damaging"; Align-GVGD: "Class C0"). In summary, the available evidence is currently insufficient to determine the role of this variant in disease. Therefore, it has been classified as a Variant of Uncertain Significance.

NM_001364171.2(ODAD1):c.1612C>T (p.Arg538Cys)

Gene: ODAD1 (outer dynein arm docking complex subunit 1; minus strand). Cytogenetic location: 19q13.33.
Variant type: single nucleotide variant.
Coding change: c.1612C>T on transcript NM_001364171.2 (MANE Select); coding-DNA position 1612, C replaced by T.
Protein change: p.Arg538Cys; replaces arginine 538 with cysteine.
Molecular consequence: missense variant.
Genome position (GRCh38, 1-based): chr19:48,297,488, G>A on the plus strand (C>T on the coding strand, the complement: ODAD1 is on the minus strand). VCF-style: chr19-48297488-G-A. GRCh37 (hg19) VCF-style: chr19-48800745-G-A.
Other names: c.1501C>T, p.Arg501Cys (NM_144577.4); c.1501C>T (NM_144577.3); short protein forms R501C, R538C.
Identifiers: ClinVar variation 1979907 (VCV001979907.3), dbSNP rs200598312, ClinGen allele CA406653946.